The following is an entry in ClinVar:

ClinVar aggregate classification (germline): Conflicting classifications of pathogenicity. Review status: criteria provided, conflicting classifications (1 of 4 stars). 3 submissions from 3 submitters: Uncertain significance (1); Likely benign (1). 1 of the submissions does not count toward it. Last evaluated 2025-09-05.

Conditions:
Inborn genetic diseases. Identifiers: MedGen C0950123, MeSH D030342.
Epilepsy, childhood absence, susceptibility to, 5. Identifiers: Orphanet 64280, MedGen C2677087, MONDO:0012843, OMIM 612269.
Epilepsy, childhood absence, susceptibility to, 1. Also called: Epilepsy, childhood absence 1. Identifiers: Orphanet 64280, MedGen C1838604, MONDO:0020759, OMIM 600131.
GABRB3-related disorder. Also called: GABRB3-related condition.

Allele frequency attached by ClinVar (database versions not stated): gnomAD 0.00001; TOPMed 0.00001; ExAC 0.00002; gnomAD exomes 0.00002.
gnomAD v4.1: 10 of 1,613,916 alleles (0.00062%); highest among the groups gnomAD compares: East Asian, 0.0022%; no homozygotes.

Submissions (3):

Ambry Genetics
Classification: Likely benign for Inborn genetic diseases. Last evaluated: 2025-09-05. Review status: criteria provided, single submitter. Criteria: Ambry Variant Classification Scheme 2023. Collection method: clinical testing. Allele origin: germline.

Labcorp Genetics (formerly Invitae), Labcorp
Classification: Uncertain significance for Epilepsy, childhood absence, susceptibility to, 5; Epilepsy, childhood absence, susceptibility to, 1. Last evaluated: 2023-03-01. Review status: criteria provided, single submitter. Criteria: Invitae Variant Classification Sherloc (09022015). Collection method: clinical testing. Allele origin: germline.
Comment: This sequence change replaces arginine, which is basic and polar, with glutamine, which is neutral and polar, at codon 238 of the GABRB3 protein (p.Arg238Gln). This variant is present in population databases (rs773257229, gnomAD 0.003%). This variant has not been reported in the literature in individuals affected with GABRB3-related conditions. ClinVar contains an entry for this variant (Variation ID: 934290). Advanced modeling of protein sequence and biophysical properties (such as structural, functional, and spatial information, amino acid conservation, physicochemical variation, residue mobility, and thermodynamic stability) performed at Invitae indicates that this missense variant is not expected to disrupt GABRB3 protein function. In summary, the available evidence is currently insufficient to determine the role of this variant in disease. Therefore, it has been classified as a Variant of Uncertain Significance.

PreventionGenetics, part of Exact Sciences
Classification: Uncertain significance for GABRB3-related condition. Last evaluated: 2024-07-30. Review status: no assertion criteria provided. Collection method: clinical testing. Allele origin: germline. Not counted in ClinVar's aggregate classification.
Comment: The GABRB3 c.713G>A variant is predicted to result in the amino acid substitution p.Arg238Gln. To our knowledge, this variant has not been reported in the literature. This variant is reported in 0.0033% of alleles in individuals of South Asian descent in gnomAD. At this time, the clinical significance of this variant is uncertain due to the absence of conclusive functional and genetic evidence.

NM_000814.6(GABRB3):c.713G>A (p.Arg238Gln)

Gene: GABRB3 (gamma-aminobutyric acid type A receptor subunit beta3; minus strand). Cytogenetic location: 15q12.
Variant type: single nucleotide variant.
Coding change: c.713G>A on transcript NM_000814.6 (MANE Select); coding-DNA position 713, G replaced by A.
Protein change: p.Arg238Gln; replaces arginine 238 with glutamine.
Molecular consequence: missense variant.
Genome position (GRCh38, 1-based): chr15:26,567,703, C>T on the plus strand (G>A on the coding strand, the complement: GABRB3 is on the minus strand). VCF-style: chr15-26567703-C-T. GRCh37 (hg19) VCF-style: chr15-26812850-C-T.
Other names: c.458G>A, p.Arg153Gln (NM_001191320.2, NM_001278631.2); c.500G>A, p.Arg167Gln (NM_001191321.3); c.713G>A, p.Arg238Gln (NM_021912.5); short protein forms R153Q, R167Q, R238Q.
Identifiers: ClinVar variation 934290 (VCV000934290.9), dbSNP rs773257229, ClinGen allele CA7437367.